The following is an entry in ClinVar:

NM_172364.5(CACNA2D4):c.830G>A (p.Arg277Gln)

Gene: CACNA2D4 (calcium voltage-gated channel auxiliary subunit alpha2delta 4; minus strand). Cytogenetic location: 12p13.33.
Variant type: single nucleotide variant.
Coding change: c.830G>A on transcript NM_172364.5 (MANE Select); coding-DNA position 830, G replaced by A.
Protein change: p.Arg277Gln; replaces arginine 277 with glutamine.
Molecular consequence: missense variant.
Genome position (GRCh38, 1-based): chr12:1,887,021, C>T on the plus strand (G>A on the coding strand, the complement: CACNA2D4 is on the minus strand). VCF-style: chr12-1887021-C-T. GRCh37 (hg19) VCF-style: chr12-1996187-C-T.
Other names: short protein forms R277Q.
Identifiers: ClinVar variation 1005491 (VCV001005491.9), dbSNP rs1319340398, ClinGen allele CA383361368.
Genomic context (GRCh38, chr12:1,887,021, plus strand): 5'-TATGAGATAAATACCCGGGCCGCAAACCTTTCCCCTGTGAGCTCTTACCAGCCGCGGTTT[C>T]GGCAGTCAAAAGTAATGACTCCATTCTCATCAGGTGTCCATTTTATACCTGGGAGAATAA-3'
Protein context (NP_758952.4, residues 267-287): DENGVITFDC[Arg277Gln]NRGWYIQAAT

ClinVar aggregate classification (germline): Uncertain significance. Review status: criteria provided, multiple submitters, no conflicts (2 of 4 stars). 2 submissions from 2 submitters: Uncertain significance (2). Last evaluated 2022-10-17.

Allele frequency attached by ClinVar (database versions not stated): gnomAD exomes 0.00002; TOPMed 0.00002; gnomAD 0.00003.
gnomAD v4.1: 37 of 1,590,528 alleles (0.0023%); highest among the groups gnomAD compares: East Asian, 0.009%; no homozygotes.

Submissions (2):

Labcorp Genetics (formerly Invitae), Labcorp
Classification: Uncertain significance. Last evaluated: 2022-10-17. Review status: criteria provided, single submitter. Criteria: Invitae Variant Classification Sherloc (09022015). Collection method: clinical testing. Allele origin: germline.
Comment: In summary, the available evidence is currently insufficient to determine the role of this variant in disease. Therefore, it has been classified as a Variant of Uncertain Significance. Algorithms developed to predict the effect of missense changes on protein structure and function (SIFT, PolyPhen-2, Align-GVGD) all suggest that this variant is likely to be disruptive. ClinVar contains an entry for this variant (Variation ID: 1005491). This sequence change replaces arginine, which is basic and polar, with glutamine, which is neutral and polar, at codon 277 of the CACNA2D4 protein (p.Arg277Gln). The frequency data for this variant in the population databases is considered unreliable, as metrics indicate poor data quality at this position in the gnomAD database. This variant has not been reported in the literature in individuals affected with CACNA2D4-related conditions.

Blueprint Genetics
Classification: Uncertain significance. Last evaluated: 2022-06-03. Review status: criteria provided, single submitter. Criteria: ACMG Guidelines, 2015. Collection method: clinical testing. Allele origin: germline.